The following is an entry in ClinVar:

NM_133433.4(NIPBL):c.5710-3T>C

Gene: NIPBL (NIPBL cohesin loading factor; plus strand). Cytogenetic location: 5p13.2.
Variant type: single nucleotide variant.
Coding change: c.5710-3T>C on transcript NM_133433.4 (MANE Select); 3 bases into the intron before coding-DNA position 5710, T replaced by C.
Molecular consequence: intron variant.
Genome position (GRCh38, 1-based): chr5:37,026,226, T>C. VCF-style: chr5-37026226-T-C. GRCh37 (hg19) VCF-style: chr5-37026328-T-C.
Other names: c.5710-3T>C (NM_015384.5).
Identifiers: ClinVar variation 2682469 (VCV002682469.1), dbSNP rs755024506, ClinGen allele CA3236838.

ClinVar aggregate classification (germline): Uncertain significance (1 of 4 stars; one submission).

Allele frequency attached by ClinVar (database versions not stated): gnomAD exomes below 0.00001; ExAC 0.00001; gnomAD 0.00001; TOPMed 0.00002.
gnomAD v4.1: 4 of 1,558,546 alleles (0.00026%); highest among the groups gnomAD compares: African/African-American, 0.0054%; no homozygotes.

Submission:

Women's Health and Genetics/Laboratory Corporation of America, LabCorp
Classification: Uncertain significance. Last evaluated: 2023-11-10. Review status: criteria provided, single submitter. Criteria: LabCorp Variant Classification Summary - May 2015. Collection method: clinical testing. Allele origin: germline.
Comment: Variant summary: NIPBL c.5710-3T>C alters a non-conserved nucleotide located close to a canonical splice site and therefore could affect mRNA splicing, leading to a significantly altered protein sequence. Consensus agreement among computation tools predict no significant impact on normal splicing. However, these predictions have yet to be confirmed by functional studies. The variant was absent in 246882 control chromosomes (gnomAD). The available data on variant occurrences in the general population are insufficient to allow any conclusion about variant significance. To our knowledge, no occurrence of c.5710-3T>C in individuals affected with Cornelia De Lange Syndrome 1 and no experimental evidence demonstrating its impact on protein function have been reported. No submitters have cited clinical-significance assessments for this variant to ClinVar after 2014. Based on the evidence outlined above, the variant was classified as uncertain significance.